The following is an entry in ClinVar:

ClinVar aggregate classification (germline): Uncertain significance (1 of 4 stars; one submission).

Conditions:
Hypertrophic cardiomyopathy. Also called: HYPERTROPHIC MYOCARDIOPATHY. Identifiers: Orphanet 217569, MedGen C0007194, MeSH D002312, MONDO:0005045, HP:0001639.

gnomAD v4.1: 1 of 1,613,462 alleles (0.000062%); highest among the groups gnomAD compares: African/African-American, 0.0013%; no homozygotes.

Submission:

All of Us Research Program, National Institutes of Health
Classification: Uncertain significance for Hypertrophic cardiomyopathy. Last evaluated: 2023-11-02. Review status: criteria provided, single submitter. Criteria: ACMG Guidelines, 2015. Collection method: clinical testing. Allele origin: germline. Inheritance: Autosomal dominant inheritance. Observed: 1 variant allele, 1 heterozygote.
Comment: This missense variant replaces arginine with leucine at codon 335 of the MYBPC3 protein. Computational prediction suggests that this variant may not impact protein structure and function (internally defined REVEL score threshold <= 0.5, PMID: 27666373). To our knowledge, functional studies have not been reported for this variant. This variant has not been reported in individuals affected with MYBPC3-related disorders in the literature. This variant has not been identified in the general population by the Genome Aggregation Database (gnomAD). The available evidence is insufficient to determine the role of this variant in disease conclusively. Therefore, this variant is classified as a Variant of Uncertain Significance.

This study involves interpretation of variants in research participants for the purpose of population health screening. Participant phenotype was not available at the time of variant classification. Additional details can be found in publication PMID: 35346344, PMCID: PMC8962531

NM_000256.3(MYBPC3):c.1004G>T (p.Arg335Leu)

Gene: MYBPC3 (myosin binding protein C3; minus strand). Cytogenetic location: 11p11.2.
Variant type: single nucleotide variant.
Coding change: c.1004G>T on transcript NM_000256.3 (MANE Select); coding-DNA position 1004, G replaced by T.
Protein change: p.Arg335Leu; replaces arginine 335 with leucine.
Molecular consequence: missense variant.
Genome position (GRCh38, 1-based): chr11:47,346,293, C>A on the plus strand (G>T on the coding strand, the complement: MYBPC3 is on the minus strand). VCF-style: chr11-47346293-C-A. GRCh37 (hg19) VCF-style: chr11-47367844-C-A.
Other names: short protein forms R335L.
Identifiers: ClinVar variation 3074347 (VCV003074347.1), dbSNP rs2495770997, ClinGen allele CA380331454.
Genomic context (GRCh38, chr11:47,346,293, plus strand): 5'-ATGCCCTTGAGCCTCTTTAGCATGCCGCGCAGGTCAGTGACGCCGTACTGGAAGGCGATG[C>A]GCTCGTACTCAGATGGGGGTGCCTGCCGTAGGATCTCCCACACGTCCTCCTCTGCTGGTG-3'
Protein context (NP_000247.2, residues 325-345): LRQAPPSEYE[Arg335Leu]IAFQYGVTDL